The following is an entry in ClinVar:

NM_000088.4(COL1A1):c.3061G>T (p.Glu1021Ter)

Gene: COL1A1 (collagen type I alpha 1 chain; minus strand). Cytogenetic location: 17q21.33.
Variant type: single nucleotide variant.
Coding change: c.3061G>T on transcript NM_000088.4 (MANE Select); coding-DNA position 3061, G replaced by T.
Protein change: p.Glu1021Ter; replaces glutamic acid 1021 with a stop codon.
Molecular consequence: nonsense.
Genome position (GRCh38, 1-based): chr17:50,188,780, C>A on the plus strand (G>T on the coding strand, the complement: COL1A1 is on the minus strand). VCF-style: chr17-50188780-C-A. GRCh37 (hg19) VCF-style: chr17-48266141-C-A.
Other names: short protein forms E1021*.
Identifiers: ClinVar variation 498526 (VCV000498526.13), dbSNP rs139593707, ClinGen allele CA400203279.
Genomic context (GRCh38, chr17:50,188,780, plus strand): 5'-TCATGGAGTGTTGCCATCTTACCTTGGCGCCAGGAGAACCGTCTCGTCCAGGGGAACCTT[C>A]GGCACCAGGAGCCCCCTGCAGAGAGAGAGAGAGAGAAGTGAGAGTCAGCCGGGGAAGAGG-3'

ClinVar aggregate classification (germline): Pathogenic. Review status: criteria provided, multiple submitters, no conflicts (2 of 4 stars). 2 submissions from 2 submitters: Pathogenic (2). Last evaluated 2020-06-04.

Conditions:
Osteogenesis imperfecta type I (OI1). Also called: Lobstein's Disease; OI, TYPE I; OSTEOGENESIS IMPERFECTA TARDA; OSTEOGENESIS IMPERFECTA WITH BLUE SCLERAE; Osteogenesis imperfecta type 1; Lobstein disease. Identifiers: Orphanet 216796, Orphanet 666, MedGen C0023931, MONDO:0008146, OMIM 166200. Disease mechanism: loss of function.

Submissions (2):

Labcorp Genetics (formerly Invitae), Labcorp
Classification: Pathogenic for Osteogenesis imperfecta type I. Last evaluated: 2020-06-04. Review status: criteria provided, single submitter. Criteria: Invitae Variant Classification Sherloc (09022015). Collection method: clinical testing. Allele origin: germline.
Comment: This sequence change creates a premature translational stop signal (p.Glu1021*) in the COL1A1 gene. It is expected to result in an absent or disrupted protein product. This variant is not present in population databases (ExAC no frequency). This variant has not been reported in the literature in individuals with COL1A1-related conditions. ClinVar contains an entry for this variant (Variation ID: 498526). Loss-of-function variants in COL1A1 are known to be pathogenic (PMID: 7942841, 9295084, 9443882). For these reasons, this variant has been classified as Pathogenic.

Eurofins Ntd Llc (ga)
Classification: Pathogenic. Last evaluated: 2016-11-22. Review status: criteria provided, single submitter. Criteria: EGL Classification Definitions 2015. Collection method: clinical testing. Allele origin: germline. Observed: 1 variant allele, 1 heterozygote.

Literature cited by the submitters: PubMed 7942841 (cited by Labcorp Genetics (formerly Invitae), Labcorp); PubMed 9295084 (cited by Labcorp Genetics (formerly Invitae), Labcorp); PubMed 9443882 (cited by Labcorp Genetics (formerly Invitae), Labcorp).